The following is an entry in ClinVar:

NM_001329943.3(KIAA0586):c.3326T>C (p.Met1109Thr)

Gene: KIAA0586 (KIAA0586; plus strand). Cytogenetic location: 14q23.1.
Variant type: single nucleotide variant.
Coding change: c.3326T>C on transcript NM_001329943.3 (MANE Select); coding-DNA position 3326, T replaced by C.
Protein change: p.Met1109Thr; replaces methionine 1109 with threonine.
Molecular consequence: missense variant.
Genome position (GRCh38, 1-based): chr14:58,487,908, T>C. VCF-style: chr14-58487908-T-C. GRCh37 (hg19) VCF-style: chr14-58954626-T-C.
Other names: c.3485T>C, p.Met1162Thr (NM_001244189.2); c.3281T>C, p.Met1094Thr (NM_001244190.2); c.3071T>C, p.Met1024Thr (NM_001244191.2, NM_001329945.2, NM_001364700.1 and 1 more transcripts); c.3194T>C, p.Met1065Thr (NM_001244192.2); c.2906T>C, p.Met969Thr (NM_001244193.2); c.3326T>C, p.Met1109Thr (NM_001329944.2, NM_001329946.2, NM_001329947.2); c.3098T>C, p.Met1033Thr (NM_014749.5); short protein forms M1033T, M1065T, M969T, M1094T, M1162T, M1024T, M1109T.
Identifiers: ClinVar variation 2200392 (VCV002200392.2), dbSNP rs749187310, ClinGen allele CA7206137.

ClinVar aggregate classification (germline): Uncertain significance (1 of 4 stars; one submission).

Conditions:
Joubert syndrome 23 (JBTS23). Identifiers: Orphanet 475, MedGen C4084822, MONDO:0014664, OMIM 616490.
Short-rib thoracic dysplasia 14 with polydactyly (SRTD14). Identifiers: Orphanet 397715, MedGen C4225286, MONDO:0014688, OMIM 616546.

Allele frequency attached by ClinVar (database versions not stated): TOPMed 0.00002; gnomAD 0.00003; ExAC 0.00004; gnomAD exomes 0.00002.

Submission:

Labcorp Genetics (formerly Invitae), Labcorp
Classification: Uncertain significance for Joubert syndrome 23; Short-rib thoracic dysplasia 14 with polydactyly. Last evaluated: 2023-08-10. Review status: criteria provided, single submitter. Criteria: Invitae Variant Classification Sherloc (09022015). Collection method: clinical testing. Allele origin: germline.
Comment: This variant has not been reported in the literature in individuals affected with KIAA0586-related conditions. This sequence change replaces methionine, which is neutral and non-polar, with threonine, which is neutral and polar, at codon 1162 of the KIAA0586 protein (p.Met1162Thr). This variant is present in population databases (rs749187310, gnomAD 0.02%). ClinVar contains an entry for this variant (Variation ID: 2200392). Advanced modeling of protein sequence and biophysical properties (such as structural, functional, and spatial information, amino acid conservation, physicochemical variation, residue mobility, and thermodynamic stability) performed at Invitae indicates that this missense variant is not expected to disrupt KIAA0586 protein function. In summary, the available evidence is currently insufficient to determine the role of this variant in disease. Therefore, it has been classified as a Variant of Uncertain Significance.